The following is an entry in ClinVar:

ClinVar aggregate classification (germline): Pathogenic (1 of 4 stars; one submission).

Submission:

GeneDx
Classification: Pathogenic. Last evaluated: 2018-04-20. Review status: criteria provided, single submitter. Criteria: GeneDx Variant Classification (06012015). Collection method: clinical testing. Allele origin: germline. Affected: yes.
Comment: The c.1463_1464delAT variant in the RPS6KA3 gene has been reported previously in an individualwith a clinical diagnosis of Coffin-Lowry syndrome (Delaunoy et al., 2006). The c.1463_1464delATvariant causes a frameshift starting with codon Tyrosine 488, changes this amino acid to a Cysteineresidue, and creates a premature Stop codon at position 12 of the new reading frame, denotedp.Tyr488CysfsX12. This variant is predicted to cause loss of normal protein function either throughprotein truncation or nonsense-mediated mRNA decay. The c.1463_1464delAT variant is notobserved in large population cohorts (Lek et al., 2016). We interpret c.1463_1464delAT as apathogenic variant.

NM_004586.3(RPS6KA3):c.1463_1464del (p.Tyr488fs)

Gene: RPS6KA3 (ribosomal protein S6 kinase A3; minus strand). Cytogenetic location: Xp22.12.
Variant type: Deletion.
Coding change: c.1463_1464del on transcript NM_004586.3 (MANE Select); coding-DNA positions 1463 to 1464, 2 bases deleted (AT; older notation c.1463_1464delAT).
Protein change: p.Tyr488fs; shifts the reading frame from tyrosine 488.
Molecular consequence: frameshift variant.
Genome position (GRCh38, 1-based): chrX:20,167,727-20,167,728, AT deleted on the plus strand (AT on the coding strand, the reverse complement: RPS6KA3 is on the minus strand); deleting any 2 consecutive bases within chrX:20,167,727-20,167,729 gives the same sequence; the c. name uses the placement nearest the transcript's 3' end. VCF-style (leftmost placement, unchanged base first): chrX-20167726-CAT-C. GRCh37 (hg19) VCF-style: chrX-20185844-CAT-C.
Other names: short protein forms Y488fs.
Identifiers: ClinVar variation 523940 (VCV000523940.2), dbSNP rs1555928736, ClinGen allele CA658799618.
Genomic context (GRCh38, chrX:20,167,726, plus strand): 5'-TTTGTCTAAGAATTTTATCCAGCAATTCACCTCCTTTCATAAGTTCTGTTACTACATACA[CAT>C]ACTTTCCATCATCATATACCTATAAATTTCAACATCAAAATGTAAATATTATTTGAAACT-3'